The following is an entry in ClinVar:

ClinVar aggregate classification (germline): Uncertain significance (1 of 4 stars; one submission).

Conditions:
Microcephaly-intellectual disability-sensorineural hearing loss-epilepsy-abnormal muscle tone syndrome (NEDHSB). Also called: NEURODEVELOPMENTAL DISORDER WITH HEARING LOSS, SEIZURES, AND BRAIN ABNORMALITIES. Identifiers: Orphanet 457351, MedGen C4225276, MONDO:0014698, OMIM 616577.

Allele frequency attached by ClinVar (database versions not stated): gnomAD exomes below 0.00001 and 0.00002; gnomAD 0.00001 and 0.00003; ExAC 0.00002; TOPMed 0.00002; 1000 Genomes Project 0.00060; 1000 Genomes Project 30x 0.00078.
gnomAD v4.1: 8 of 1,533,076 alleles (0.00052%); highest among the groups gnomAD compares: Admixed American, 0.016%; no homozygotes.

Submission:

Labcorp Genetics (formerly Invitae), Labcorp
Classification: Uncertain significance for Microcephaly-intellectual disability-sensorineural hearing loss-epilepsy-abnormal muscle tone syndrome. Last evaluated: 2022-08-23. Review status: criteria provided, single submitter. Criteria: Invitae Variant Classification Sherloc (09022015). Collection method: clinical testing. Allele origin: germline.
Comment: This sequence change falls in intron 5 of the SPATA5 gene. It does not directly change the encoded amino acid sequence of the SPATA5 protein. This variant is present in population databases (rs537433950, gnomAD 0.01%). This variant has not been reported in the literature in individuals affected with SPATA5-related conditions. ClinVar contains an entry for this variant (Variation ID: 1395185). Algorithms developed to predict the effect of sequence changes on RNA splicing suggest that this variant may disrupt the consensus splice site. In summary, the available evidence is currently insufficient to determine the role of this variant in disease. Therefore, it has been classified as a Variant of Uncertain Significance.

NM_145207.3(AFG2A):c.1147+16T>G

Gene: AFG2A (AFG2 AAA ATPase homolog A; plus strand). Cytogenetic location: 4q28.1.
Variant type: single nucleotide variant.
Coding change: c.1147+16T>G on transcript NM_145207.3 (MANE Select); 16 bases into the intron after coding-DNA position 1147, T replaced by G.
Molecular consequence: intron variant.
Genome position (GRCh38, 1-based): chr4:122,934,754, T>G. VCF-style: chr4-122934754-T-G. GRCh37 (hg19) VCF-style: chr4-123855909-T-G.
Other names: c.1144+16T>G (NM_001345856.2, NM_001317799.2).
Identifiers: ClinVar variation 1395185 (VCV001395185.5), dbSNP rs537433950, ClinGen allele CA3070371.